The following is an entry in ClinVar:

NM_000843.4(GRM6):c.1579C>T (p.Arg527Trp)

Genes: GRM6 (glutamate metabotropic receptor 6; minus strand), ZNF454 (zinc finger protein 454; plus strand). Cytogenetic location: 5q35.3.
Variant type: single nucleotide variant.
Coding change: c.1579C>T on transcript NM_000843.4 (MANE Select); coding-DNA position 1579, C replaced by T.
Protein change: p.Arg527Trp; replaces arginine 527 with tryptophan.
Molecular consequence: missense variant.
Genome position (GRCh38, 1-based): chr5:178,986,675, G>A on the plus strand (C>T on the coding strand, the complement: GRM6 is on the minus strand). VCF-style: chr5-178986675-G-A. GRCh37 (hg19) VCF-style: chr5-178413676-G-A.
Other names: short protein forms R527W.
Identifiers: ClinVar variation 846626 (VCV000846626.8), dbSNP rs149199617, ClinGen allele CA3593991.

ClinVar aggregate classification (germline): Conflicting classifications of pathogenicity. Review status: criteria provided, conflicting classifications (1 of 4 stars). 3 submissions from 3 submitters: Uncertain significance (2); Likely benign (1). Last evaluated 2024-07-12.

Allele frequency attached by ClinVar (database versions not stated): ESP Exome Variant Server 0.00015; gnomAD 0.00015 and 0.00016; 1000 Genomes Project 30x 0.00016; TOPMed 0.00017; gnomAD exomes 0.00018 and 0.00027; 1000 Genomes Project 0.00020; ExAC 0.00029.
gnomAD v4.1: 286 of 1,603,200 alleles (0.018%); highest among the groups gnomAD compares: East Asian, 0.22%; 1 homozygote.

Submissions (3):

Blueprint Genetics
Classification: Likely benign. Last evaluated: 2024-07-12. Review status: criteria provided, single submitter. Criteria: ACMG Guidelines, 2015. Collection method: clinical testing. Allele origin: germline.

Labcorp Genetics (formerly Invitae), Labcorp
Classification: Uncertain significance. Last evaluated: 2024-03-18. Review status: criteria provided, single submitter. Criteria: Invitae Variant Classification Sherloc (09022015). Collection method: clinical testing. Allele origin: germline.
Comment: This sequence change replaces arginine, which is basic and polar, with tryptophan, which is neutral and slightly polar, at codon 527 of the GRM6 protein (p.Arg527Trp). This variant is present in population databases (rs149199617, gnomAD 0.1%). This variant has not been reported in the literature in individuals affected with GRM6-related conditions. ClinVar contains an entry for this variant (Variation ID: 846626). Advanced modeling of protein sequence and biophysical properties (such as structural, functional, and spatial information, amino acid conservation, physicochemical variation, residue mobility, and thermodynamic stability) performed at Invitae indicates that this missense variant is not expected to disrupt GRM6 protein function with a negative predictive value of 80%. In summary, the available evidence is currently insufficient to determine the role of this variant in disease. Therefore, it has been classified as a Variant of Uncertain Significance.

Breakthrough Genomics
Classification: Uncertain significance. Review status: criteria provided, single submitter. Criteria: ACMG Guidelines, 2015. Collection method: not provided. Allele origin: germline. Inheritance: Autosomal recessive inheritance. Affected: yes.